The following is an entry in ClinVar:

NC_000011.9:g.(118215194_118219741)_(118224498_?)del

Gene: CD3G (CD3 gamma subunit of T-cell receptor complex; plus strand). Cytogenetic location: 11q23.3.
Variant type: Deletion.
Identifiers: ClinVar variation 2429328 (VCV002429328.3).

ClinVar aggregate classification (germline): Likely pathogenic (1 of 4 stars; one submission).

Conditions:
Severe combined immunodeficiency disease. Also called: Severe combined immunodeficiency; Severe Combined Immune Deficiency. Identifiers: Orphanet 183660, MedGen C0085110, MeSH D016511, MONDO:0015974, HP:0004430. Inheritance: X-Linked or Autosomal recessive.

Submission:

Women's Health and Genetics/Laboratory Corporation of America, LabCorp
Classification: Likely pathogenic for Severe combined immunodeficiency disease. Last evaluated: 2023-01-25. Review status: criteria provided, single submitter. Criteria: LabCorp Variant Classification Summary - May 2015. Collection method: clinical testing. Allele origin: germline.
Comment: Variant summary: The variant identified by MLPA or other technology involves the deletion of exons 2-7 in the CD3G gene. A presumed nomenclature of c.(55+1_56-1)_(*684_?)del has been designated for the purposes of this classification. Although exact breakpoints of this CNV are not known, it is expected to result in a large deletion in the CD3G gene, including the last exon and the Immunoglobulin subtype 2 domain (IPR003598) of the encoded protein. The variant was absent in 21694 control chromosomes in the gnomAD database, structural variants data set. To our knowledge, no occurrence of c.(55+1_56-1)_(*684_?)del in individuals affected with Severe Combined Immunodeficiency and no experimental evidence demonstrating its impact on protein function have been reported. No clinical diagnostic laboratories have submitted clinical-significance assessments for this variant to ClinVar after 2014. Based on the evidence outlined above, the variant was classified as likely pathogenic.